The following is an entry in ClinVar:

ClinVar aggregate classification (germline): Uncertain significance (1 of 4 stars; one submission).

Submission:

Ambry Genetics
Classification: Uncertain significance. Last evaluated: 2025-11-15. Review status: criteria provided, single submitter. Criteria: Ambry Variant Classification Scheme 2023. Collection method: clinical testing. Allele origin: germline.
Comment: The p.H1318P variant (also known as c.3953A>C), located in coding exon 14 of the CDK12 gene, results from an A to C substitution at nucleotide position 3953. The histidine at codon 1318 is replaced by proline, an amino acid with similar properties. This amino acid position is conserved. In addition, the in silico prediction for this alteration is inconclusive. Based on the available evidence, the clinical significance of this variant remains unclear.

NM_016507.4(CDK12):c.3953A>C (p.His1318Pro)

Gene: CDK12 (cyclin dependent kinase 12; plus strand). Cytogenetic location: 17q12.
Variant type: single nucleotide variant.
Coding change: c.3953A>C on transcript NM_016507.4 (MANE Select); coding-DNA position 3953, A replaced by C.
Protein change: p.His1318Pro; replaces histidine 1318 with proline.
Molecular consequence: missense variant.
Genome position (GRCh38, 1-based): chr17:39,530,796, A>C. VCF-style: chr17-39530796-A-C. GRCh37 (hg19) VCF-style: chr17-37687049-A-C.
Other names: c.3926A>C, p.His1309Pro (NM_015083.4); short protein forms H1318P, H1309P.
Identifiers: ClinVar variation 4651443 (VCV004651443.1).